The following is an entry in ClinVar:

NM_001868.4(CPA1):c.515T>C (p.Ile172Thr)

Gene: CPA1 (carboxypeptidase A1; plus strand). Cytogenetic location: 7q32.2.
Variant type: single nucleotide variant.
Coding change: c.515T>C on transcript NM_001868.4 (MANE Select); coding-DNA position 515, T replaced by C.
Protein change: p.Ile172Thr; replaces isoleucine 172 with threonine.
Molecular consequence: missense variant.
Genome position (GRCh38, 1-based): chr7:130,383,422, T>C. VCF-style: chr7-130383422-T-C. GRCh37 (hg19) VCF-style: chr7-130023263-T-C.
Other names: short protein forms I172T.
Identifiers: ClinVar variation 5034911 (VCV005034911.1).
Genomic context (GRCh38, chr7:130,383,422, plus strand): 5'-CTCTGATCACTCCCCTGCCTCCTCTCCAGTTCAGCACGGGGGGCAGTAAGCGTCCAGCCA[T>C]CTGGATCGACACGGGCATCCATTCCCGGGAGTGGGTCACCCAGGCCAGTGGGGTCTGGTT-3'
Protein context (NP_001859.1, residues 162-182): FSTGGSKRPA[Ile172Thr]WIDTGIHSRE

ClinVar aggregate classification (germline): Uncertain significance (1 of 4 stars; one submission).

Conditions:
Hereditary pancreatitis (PCTT). Also called: Hereditary chronic pancreatitis; PRSS1-Related Hereditary Pancreatitis. Identifiers: Orphanet 676, MedGen C0238339, MONDO:0008185, OMIM 167800.

Submission:

Ambry Genetics
Classification: Uncertain significance for Hereditary pancreatitis. Last evaluated: 2026-07-13. Review status: criteria provided, single submitter. Criteria: Ambry Variant Classification Scheme 2023. Collection method: clinical testing. Allele origin: germline.
Comment: The p.I172T variant (also known as c.515T>C), located in coding exon 5 of the CPA1 gene, results from a T to C substitution at nucleotide position 515. The isoleucine at codon 172 is replaced by threonine, an amino acid with similar properties. This amino acid position is conserved. In addition, the in silico prediction for this alteration is inconclusive. Based on the available evidence, the clinical significance of this variant remains unclear.